The following is an entry in ClinVar:

NM_000313.4(PROS1):c.1424G>A (p.Cys475Tyr)

Gene: PROS1 (protein S; minus strand). Cytogenetic location: 3q11.1.
Variant type: single nucleotide variant.
Coding change: c.1424G>A on transcript NM_000313.4 (MANE Select); coding-DNA position 1424, G replaced by A.
Protein change: p.Cys475Tyr; replaces cysteine 475 with tyrosine.
Molecular consequence: missense variant.
Genome position (GRCh38, 1-based): chr3:93,884,796, C>T on the plus strand (G>A on the coding strand, the complement: PROS1 is on the minus strand). VCF-style: chr3-93884796-C-T. GRCh37 (hg19) VCF-style: chr3-93603640-C-T.
Other names: c.1520G>A, p.Cys507Tyr (NM_001314077.2); short protein forms C475Y, C507Y.
Identifiers: ClinVar variation 851947 (VCV000851947.6), dbSNP rs766692725, ClinGen allele CA353667892.

ClinVar aggregate classification (germline): Conflicting classifications of pathogenicity. Review status: criteria provided, conflicting classifications (1 of 4 stars). 2 submissions from 2 submitters: Likely pathogenic (1); Uncertain significance (1). Last evaluated 2026-01-26.

Conditions:
Thrombophilia due to protein S deficiency, autosomal dominant (THPH5). Identifiers: Orphanet 26349, Orphanet 743, MedGen C3278211, MONDO:0012868, OMIM 612336. Disease mechanism: loss of function.
Thrombophilia due to protein S deficiency, autosomal recessive (THPH6). Identifiers: Orphanet 743, MedGen C3281092, MONDO:0013791, OMIM 614514. Disease mechanism: loss of function.

Submissions (2):

Medical and Scientific Branch, Hong Kong Genome Institute
Classification: Likely pathogenic for Thrombophilia due to protein S deficiency, autosomal dominant. Last evaluated: 2026-01-26. Review status: criteria provided, single submitter. Criteria: ACMG Guidelines, 2015. Collection method: clinical testing. Allele origin: unknown. Affected: yes.

Labcorp Genetics (formerly Invitae), Labcorp
Classification: Uncertain significance for Thrombophilia due to protein S deficiency, autosomal recessive. Last evaluated: 2019-01-01. Review status: criteria provided, single submitter. Criteria: Invitae Variant Classification Sherloc (09022015). Collection method: clinical testing. Allele origin: germline.
Comment: In summary, the available evidence is currently insufficient to determine the role of this variant in disease. Therefore, it has been classified as a Variant of Uncertain Significance. This sequence change replaces cysteine with tyrosine at codon 475 of the PROS1 protein (p.Cys475Tyr). The cysteine residue is highly conserved and there is a large physicochemical difference between cysteine and tyrosine. This variant is not present in population databases (ExAC no frequency). This variant has not been reported in the literature in individuals with PROS1-related conditions. Algorithms developed to predict the effect of missense changes on protein structure and function (SIFT, PolyPhen-2, Align-GVGD) all suggest that this variant is likely to be disruptive, but these predictions have not been confirmed by published functional studies and their clinical significance is uncertain. This variant disrupts the p.Cys475 amino acid residue in PROS1. Other variant(s) that disrupt this residue have been observed in individuals with PROS1-related conditions (PMID: 8765219, 18435454), which suggests that this may be a clinically significant amino acid residue.

Literature cited by the submitters: PubMed 8765219 (cited by Labcorp Genetics (formerly Invitae), Labcorp); PubMed 18435454 (cited by Labcorp Genetics (formerly Invitae), Labcorp).